The following is an entry in ClinVar:

NM_001572.5(IRF7):c.438dup (p.Val147fs)

Gene: IRF7 (interferon regulatory factor 7; minus strand). Cytogenetic location: 11p15.5.
Variant type: Duplication.
Coding change: c.438dup on transcript NM_001572.5 (MANE Select); coding-DNA position 438, one base duplicated (T; older notation c.438dupT).
Protein change: p.Val147fs; shifts the reading frame from valine 147.
Molecular consequence: frameshift variant.
Genome position (GRCh38, 1-based): chr11:614,491, A duplicated on the plus strand (T on the coding strand, the reverse complement: IRF7 is on the minus strand). VCF-style (leftmost placement, unchanged base first): chr11-614490-C-CA. GRCh37 (hg19) VCF-style: chr11-614490-C-CA.
Other names: c.438dup, p.Val147fs (NM_004029.4); c.477dup, p.Val160fs (NM_004031.4); short protein forms V147fs, V160fs.
Identifiers: ClinVar variation 3662469 (VCV003662469.2).

ClinVar aggregate classification (germline): Uncertain significance (1 of 4 stars; one submission).

Conditions:
Immunodeficiency 39 (IMD39). Identifiers: Orphanet 574918, MedGen C4225358, MONDO:0014597, OMIM 616345.

Submission:

Labcorp Genetics (formerly Invitae), Labcorp
Classification: Uncertain significance for Immunodeficiency 39. Last evaluated: 2024-08-14. Review status: criteria provided, single submitter. Criteria: Invitae Variant Classification Sherloc (09022015). Collection method: clinical testing. Allele origin: germline.
Comment: This sequence change creates a premature translational stop signal (p.Val160Cysfs*32) in the IRF7 gene. It is expected to result in an absent or disrupted protein product. However, the current clinical and genetic evidence is not sufficient to establish whether loss-of-function variants in IRF7 cause disease. This variant is not present in population databases (gnomAD no frequency). This variant has not been reported in the literature in individuals affected with IRF7-related conditions. In summary, the available evidence is currently insufficient to determine the role of this variant in disease. Therefore, it has been classified as a Variant of Uncertain Significance.